The following is an entry in ClinVar:

ClinVar aggregate classification (germline): Likely benign (0 of 4 stars; one submission).

Conditions:
CNGA3-related disorder. Also called: CNGA3-related condition.

gnomAD v4.1: 5 of 1,614,196 alleles (0.00031%); highest among the groups gnomAD compares: Non-Finnish European, 0.00042%; no homozygotes.

Submission:

PreventionGenetics, part of Exact Sciences
Classification: Likely benign for CNGA3-related condition. Last evaluated: 2024-09-09. Review status: no assertion criteria provided. Collection method: clinical testing. Allele origin: germline.
Comment: This variant is classified as likely benign based on ACMG/AMP sequence variant interpretation guidelines (Richards et al. 2015 PMID: 25741868, with internal and published modifications).

NM_001298.3(CNGA3):c.1935A>G (p.Ala645=)

Gene: CNGA3 (cyclic nucleotide gated channel subunit alpha 3; plus strand). Cytogenetic location: 2q11.2.
Variant type: single nucleotide variant.
Coding change: c.1935A>G on transcript NM_001298.3 (MANE Select); coding-DNA position 1935, A replaced by G.
Protein change: p.Ala645=; no amino-acid change (alanine 645 retained).
Molecular consequence: synonymous variant.
Genome position (GRCh38, 1-based): chr2:98,397,105, A>G. VCF-style: chr2-98397105-A-G. GRCh37 (hg19) VCF-style: chr2-99013568-A-G.
Other names: c.1881A>G, p.Ala627= (NM_001079878.2).
Identifiers: ClinVar variation 3356098 (VCV003356098.1).